The following is an entry in ClinVar:

ClinVar aggregate classification (germline): Uncertain significance (1 of 4 stars; one submission).

Conditions:
Fanconi anemia (FA). Also called: Fanconi's anemia. Identifiers: Orphanet 84, MedGen C0015625, MeSH D005199, MONDO:0019391.

gnomAD v4.1: 1 of 1,596,080 alleles (0.000063%); highest among the groups gnomAD compares: Non-Finnish European, 0.000086%; no homozygotes.

Submission:

Labcorp Genetics (formerly Invitae), Labcorp
Classification: Uncertain significance for Fanconi anemia. Last evaluated: 2025-07-30. Review status: criteria provided, single submitter. Criteria: Invitae Variant Classification Sherloc (09022015). Collection method: clinical testing. Allele origin: germline.
Comment: This sequence change falls in intron 3 of the FANCA gene. It does not directly change the encoded amino acid sequence of the FANCA protein. It affects a nucleotide within the consensus splice site. This variant is not present in population databases (gnomAD no frequency). This variant has not been reported in the literature in individuals affected with FANCA-related conditions. ClinVar contains an entry for this variant (Variation ID: 1362894). Variants that disrupt the consensus splice site are a relatively common cause of aberrant splicing (PMID: 17576681, 9536098). Algorithms developed to predict the effect of sequence changes on RNA splicing suggest that this variant may disrupt the consensus splice site. In summary, the available evidence is currently insufficient to determine the role of this variant in disease. Therefore, it has been classified as a Variant of Uncertain Significance.

Literature cited by the submitters: PubMed 17576681; PubMed 9536098.

NM_000135.4(FANCA):c.283+5G>A

Gene: FANCA (FA complementation group A; minus strand). Cytogenetic location: 16q24.3.
Variant type: single nucleotide variant.
Coding change: c.283+5G>A on transcript NM_000135.4 (MANE Select); 5 bases into the intron after coding-DNA position 283, G replaced by A.
Molecular consequence: intron variant.
Genome position (GRCh38, 1-based): chr16:89,814,515, C>T on the plus strand (G>A on the coding strand, the complement: FANCA is on the minus strand). VCF-style: chr16-89814515-C-T. GRCh37 (hg19) VCF-style: chr16-89880923-C-T.
Other names: c.283+5G>A (NM_001286167.3, NM_001351830.2, NM_001018112.3).
Identifiers: ClinVar variation 1362894 (VCV001362894.6), dbSNP rs1598199184, ClinGen allele CA2573152788.